The following is an entry in ClinVar:

ClinVar aggregate classification (germline): Likely benign (1 of 4 stars; one submission).

Allele frequency attached by ClinVar (database versions not stated): 1000 Genomes Project 30x 0.00234; 1000 Genomes Project 0.00260; TOPMed 0.00269; ExAC 0.00353; ESP Exome Variant Server 0.00361; gnomAD 0.00409; gnomAD exomes 0.00486.
gnomAD v4.1: 7,643 of 1,609,314 alleles (0.47%); highest among the groups gnomAD compares: Non-Finnish European, 0.56%; 37 homozygotes.

Submission:

CeGaT Center for Human Genetics Tuebingen
Classification: Likely benign. Last evaluated: 2022-11-01. Review status: criteria provided, single submitter. Criteria: CeGaT Center For Human Genetics Tuebingen Variant Classification Criteria Version 2. Collection method: clinical testing. Allele origin: germline. Affected: yes. Observed: 1 variant allele.
Comment: FBXO30: BP4, BP7, BS2

NM_032145.5(FBXO30):c.936A>G (p.Leu312=)

Genes: EPM2A-DT (EPM2A divergent transcript; plus strand), FBXO30 (F-box protein 30; minus strand). Cytogenetic location: 6q24.3.
Variant type: single nucleotide variant.
Coding change: c.936A>G on transcript NM_032145.5 (MANE Select); coding-DNA position 936, A replaced by G.
Protein change: p.Leu312=; no amino-acid change (leucine 312 retained).
Molecular consequence: synonymous variant.
Genome position (GRCh38, 1-based): chr6:145,805,470, T>C on the plus strand (A>G on the coding strand, the complement: FBXO30 is on the minus strand). VCF-style: chr6-145805470-T-C. GRCh37 (hg19) VCF-style: chr6-146126606-T-C.
Other names: c.936A>G, p.Leu312= (NM_001348092.2).
Identifiers: ClinVar variation 2656967 (VCV002656967.24), dbSNP rs41285849, ClinGen allele CA4035488.